The following is an entry in ClinVar:

NM_015140.4(TTLL12):c.1272G>A (p.Ala424=)

Gene: TTLL12 (tubulin tyrosine ligase like 12; minus strand). Cytogenetic location: 22q13.2.
Variant type: single nucleotide variant.
Coding change: c.1272G>A on transcript NM_015140.4 (MANE Select); coding-DNA position 1272, G replaced by A.
Protein change: p.Ala424=; no amino-acid change (alanine 424 retained).
Molecular consequence: synonymous variant.
Genome position (GRCh38, 1-based): chr22:43,173,784, C>T on the plus strand (G>A on the coding strand, the complement: TTLL12 is on the minus strand). VCF-style: chr22-43173784-C-T. GRCh37 (hg19) VCF-style: chr22-43569790-C-T.
Identifiers: ClinVar variation 2653264 (VCV002653264.24), dbSNP rs140453869, ClinGen allele CA10273272.

ClinVar aggregate classification (germline): Likely benign (1 of 4 stars; one submission).

Allele frequency attached by ClinVar (database versions not stated): ESP Exome Variant Server 0.00008; gnomAD 0.00014; TOPMed 0.00014; 1000 Genomes Project 30x 0.00016; gnomAD exomes 0.00019; 1000 Genomes Project 0.00020; ExAC 0.00033.

Submission:

CeGaT Center for Human Genetics Tuebingen
Classification: Likely benign. Last evaluated: 2022-08-01. Review status: criteria provided, single submitter. Criteria: CeGaT Center For Human Genetics Tuebingen Variant Classification Criteria Version 2. Collection method: clinical testing. Allele origin: germline. Affected: yes. Observed: 1 variant allele.
Comment: TTLL12: BP4, BP7